The following is an entry in ClinVar:

ClinVar aggregate classification (germline): Uncertain significance (1 of 4 stars; one submission).

Conditions:
Early Myoclonic Encephalopathy. Identifiers: MedGen C0270855.

Submission:

Labcorp Genetics (formerly Invitae), Labcorp
Classification: Uncertain significance for Early Myoclonic Encephalopathy. Last evaluated: 2022-02-22. Review status: criteria provided, single submitter. Criteria: Invitae Variant Classification Sherloc (09022015). Collection method: clinical testing. Allele origin: germline.
Comment: This sequence change replaces proline, which is neutral and non-polar, with serine, which is neutral and polar, at codon 1517 of the JMJD1C protein (p.Pro1517Ser). In summary, the available evidence is currently insufficient to determine the role of this variant in disease. Therefore, it has been classified as a Variant of Uncertain Significance. Algorithms developed to predict the effect of missense changes on protein structure and function output the following: SIFT: "Tolerated"; PolyPhen-2: "Benign"; Align-GVGD: "Class C0". The serine amino acid residue is found in multiple mammalian species, which suggests that this missense change does not adversely affect protein function. This variant has not been reported in the literature in individuals affected with JMJD1C-related conditions. This variant is not present in population databases (gnomAD no frequency).

NM_032776.3(JMJD1C):c.4549C>T (p.Pro1517Ser)

Gene: JMJD1C (jumonji domain containing 1C; minus strand). Cytogenetic location: 10q21.3.
Variant type: single nucleotide variant.
Coding change: c.4549C>T on transcript NM_032776.3 (MANE Select); coding-DNA position 4549, C replaced by T.
Protein change: p.Pro1517Ser; replaces proline 1517 with serine.
Molecular consequence: missense variant. On other transcripts: non-coding transcript variant (1).
Genome position (GRCh38, 1-based): chr10:63,207,120, G>A on the plus strand (C>T on the coding strand, the complement: JMJD1C is on the minus strand). VCF-style: chr10-63207120-G-A. GRCh37 (hg19) VCF-style: chr10-64966880-G-A.
Other names: c.4003C>T, p.Pro1335Ser (NM_001282948.2, NM_001318154.2); c.3685C>T, p.Pro1229Ser (NM_001318153.2); c.4435C>T, p.Pro1479Ser (NM_001322252.2); c.3892C>T, p.Pro1298Ser (NM_001322254.2, NM_001322258.2); short protein forms P1229S, P1517S, P1298S, P1335S, P1479S.
Identifiers: ClinVar variation 1923804 (VCV001923804.5), dbSNP rs1846721691, ClinGen allele CA377037138.